The following is an entry in ClinVar:

ClinVar aggregate classification (germline): Benign. Review status: reviewed by expert panel (3 of 4 stars). 9 submissions from 9 submitters: Benign (1). 8 of the submissions do not count toward it. Last evaluated 2017-06-29.

Conditions:
Hereditary breast ovarian cancer syndrome. Also called: Hereditary breast and ovarian cancer syndrome; Hereditary breast and ovarian cancer syndrome (HBOC); BRCA1- and BRCA2-Associated Hereditary Breast and Ovarian Cancer; Breast and ovarian cancer; Hereditary breast and ovarian cancer; Hereditary breast and/or ovarian cancer syndrome. Identifiers: Orphanet 145, MedGen C0677776, MeSH D061325, MONDO:0003582. Disease mechanism: loss of function.
Hereditary cancer-predisposing syndrome. Also called: Hereditary Cancer Syndrome; Hereditary neoplastic syndrome; Tumor predisposition; Neoplastic Syndromes, Hereditary. Identifiers: Orphanet 140162, MedGen C0027672, MeSH D009386, MONDO:0015356.
Breast-ovarian cancer, familial, susceptibility to, 1 (BROVCA1). Also called: OVARIAN CANCER, SUSCEPTIBILITY TO; BRCA1 Hereditary Breast and Ovarian Cancer. Identifiers: Orphanet 145, MedGen C2676676, MONDO:0011450, OMIM 604370. Disease mechanism: loss of function.

Allele frequency attached by ClinVar (database versions not stated): TOPMed below 0.00001; gnomAD 0.00001; gnomAD exomes 0.00001.
gnomAD v4.1: 20 of 1,614,066 alleles (0.0012%); highest among the groups gnomAD compares: African/African-American, 0.004%; no homozygotes.

Submissions (9):

Evidence-based Network for the Interpretation of Germline Mutant Alleles (ENIGMA)
Classification: Benign for Breast-ovarian cancer, familial, susceptibility to, 1. Last evaluated: 2017-06-29. Review status: reviewed by expert panel. Criteria: ENIGMA BRCA1/2 Classification Criteria (2017-06-29). Collection method: curation. Allele origin: germline.
Comment: Synonymous substitution variant, with low bioinformatic likelihood to alter mRNA splicing (splicing prior 0.02) and frequency 0.005 (African), derived from ExAC (2014-12-17).

Labcorp Genetics (formerly Invitae), Labcorp
Classification: Likely benign for Hereditary breast ovarian cancer syndrome. Last evaluated: 2026-01-04. Review status: criteria provided, single submitter. Criteria: Invitae Variant Classification Sherloc (09022015). Collection method: clinical testing. Allele origin: germline. Not counted in ClinVar's aggregate classification.

Quest Diagnostics Nichols Institute San Juan Capistrano
Classification: Likely benign. Last evaluated: 2023-07-05. Review status: criteria provided, single submitter. Criteria: Quest Diagnostics criteria. Collection method: clinical testing. Allele origin: unknown. Not counted in ClinVar's aggregate classification.

All of Us Research Program, National Institutes of Health
Classification: Likely benign for Breast-ovarian cancer, familial, susceptibility to, 1. Last evaluated: 2023-06-27. Review status: criteria provided, single submitter. Criteria: ACMG Guidelines, 2015. Collection method: clinical testing. Allele origin: germline. Inheritance: Autosomal dominant inheritance. Observed: 3 variant alleles, 3 heterozygotes. Not counted in ClinVar's aggregate classification.
Comment: This study involves interpretation of variants in research participants for the purpose of population health screening. Participant phenotype was not available at the time of variant classification. Additional details can be found in publication PMID: 35346344, PMCID: PMC8962531

Sema4
Classification: Likely benign for Hereditary cancer-predisposing syndrome. Last evaluated: 2022-01-31. Review status: criteria provided, single submitter. Criteria: Sema4 Curation Guidelines. Collection method: curation. Allele origin: germline. Not counted in ClinVar's aggregate classification.

GeneDx
Classification: Likely benign. Last evaluated: 2021-05-25. Review status: criteria provided, single submitter. Criteria: GeneDx Variant Classification Process June 2021. Collection method: clinical testing. Allele origin: germline. Affected: yes. Not counted in ClinVar's aggregate classification.

Women's Health and Genetics/Laboratory Corporation of America, LabCorp
Classification: Likely benign. Last evaluated: 2020-05-09. Review status: criteria provided, single submitter. Criteria: LabCorp Variant Classification Summary - May 2015. Collection method: clinical testing. Allele origin: germline. Not counted in ClinVar's aggregate classification.

Color Diagnostics, LLC DBA Color Health
Classification: Likely benign for Hereditary cancer-predisposing syndrome. Last evaluated: 2017-11-26. Review status: criteria provided, single submitter. Criteria: ACMG Guidelines, 2015. Collection method: clinical testing. Allele origin: germline. Not counted in ClinVar's aggregate classification.

Ambry Genetics
Classification: Likely benign for Hereditary cancer-predisposing syndrome. Last evaluated: 2015-09-24. Review status: criteria provided, single submitter. Criteria: Ambry Variant Classification Scheme 2023. Collection method: clinical testing. Allele origin: germline. Not counted in ClinVar's aggregate classification.

NM_007294.4(BRCA1):c.3684C>T (p.His1228=)

Genes: BRCA1 (BRCA1 DNA repair associated; minus strand), LOC126862571 (BRD4-independent group 4 enhancer GRCh37_chr17:41243136-41244335; plus strand). Cytogenetic location: 17q21.31.
Variant type: single nucleotide variant.
Coding change: c.3684C>T on transcript NM_007294.4 (MANE Select); coding-DNA position 3684, C replaced by T.
Protein change: p.His1228=; no amino-acid change (histidine 1228 retained).
Molecular consequence: synonymous variant. On other transcripts: intron variant (135).
Genome position (GRCh38, 1-based): chr17:43,091,847, G>A on the plus strand (C>T on the coding strand, the complement: BRCA1 is on the minus strand). VCF-style: chr17-43091847-G-A. GRCh37 (hg19) VCF-style: chr17-41243864-G-A.
Other names: c.524-815C>T (NM_001408496.1, NM_001408499.1, NM_001408498.1 and 3 more transcripts); c.647-815C>T (NM_001408460.1, NM_001408454.1, NM_001408456.1 and 11 more transcripts); c.707-815C>T (NM_001408413.1, NM_001408416.1); c.587-815C>T (NM_001408476.1, NM_001408474.1); c.710-815C>T (NM_001408409.1, NM_001408414.1, NM_001408411.1 and 2 more transcripts); c.575-815C>T (NM_001408493.1, NM_001408490.1, NM_001408491.1); c.455-815C>T (NM_001408502.1); c.578-815C>T (NM_001408489.1, NM_001408479.1, NM_001408482.1 and 9 more transcripts); and 41 more.
Identifiers: ClinVar variation 184693 (VCV000184693.25), dbSNP rs786201623, ClinGen allele CA002356.